The following is an entry in ClinVar:

NM_001243279.3(ACSF3):c.823-1G>A

Gene: ACSF3 (acyl-CoA synthetase family member 3; plus strand). Cytogenetic location: 16q24.3.
Variant type: single nucleotide variant.
Coding change: c.823-1G>A on transcript NM_001243279.3 (MANE Select); the canonical splice acceptor site of the intron before coding-DNA position 823, G replaced by A.
Molecular consequence: splice acceptor variant.
Genome position (GRCh38, 1-based): chr16:89,112,091, G>A. VCF-style: chr16-89112091-G-A. GRCh37 (hg19) VCF-style: chr16-89178499-G-A.
Other names: c.823-1G>A (NM_001127214.4, NM_174917.5); c.28-1G>A (NM_001284316.2).
Identifiers: ClinVar variation 2884779 (VCV002884779.3), dbSNP rs2543606903, ClinGen allele CA397139077.

ClinVar aggregate classification (germline): Likely pathogenic (1 of 4 stars; one submission).

Conditions:
Combined malonic and methylmalonic acidemia. Identifiers: Orphanet 289504, MedGen C3280314, MONDO:0013661, OMIM 614265.

Allele frequency attached by ClinVar (database versions not stated): gnomAD exomes below 0.00001.
gnomAD v4.1: 1 of 1,614,084 alleles (0.000062%); highest among the groups gnomAD compares: Non-Finnish European, 0.000085%; no homozygotes.

Submission:

Labcorp Genetics (formerly Invitae), Labcorp
Classification: Likely pathogenic for Combined malonic and methylmalonic acidemia. Last evaluated: 2023-11-13. Review status: criteria provided, single submitter. Criteria: Invitae Variant Classification Sherloc (09022015). Collection method: clinical testing. Allele origin: germline.
Comment: This sequence change affects an acceptor splice site in intron 4 of the ACSF3 gene. It is expected to disrupt RNA splicing. Variants that disrupt the donor or acceptor splice site typically lead to a loss of protein function (PMID: 16199547), and loss-of-function variants in ACSF3 are known to be pathogenic (PMID: 21841779, 26827111). This variant is not present in population databases (gnomAD no frequency). This variant has not been reported in the literature in individuals affected with ACSF3-related conditions. Algorithms developed to predict the effect of sequence changes on RNA splicing suggest that this variant may disrupt the consensus splice site. In summary, the currently available evidence indicates that the variant is pathogenic, but additional data are needed to prove that conclusively. Therefore, this variant has been classified as Likely Pathogenic.

Literature cited by the submitters: PubMed 16199547; PubMed 21841779; PubMed 26827111.